The following is an entry in ClinVar:

NM_001048174.2(MUTYH):c.1460C>T (p.Ser487Phe)

Gene: MUTYH (mutY DNA glycosylase; minus strand). Cytogenetic location: 1p34.1.
Variant type: single nucleotide variant.
Coding change: c.1460C>T on transcript NM_001048174.2 (MANE Select); coding-DNA position 1460, C replaced by T.
Protein change: p.Ser487Phe; replaces serine 487 with phenylalanine.
Molecular consequence: missense variant. On other transcripts: non-coding transcript variant (2).
Genome position (GRCh38, 1-based): chr1:45,329,412, G>A on the plus strand (C>T on the coding strand, the complement: MUTYH is on the minus strand). VCF-style: chr1-45329412-G-A. GRCh37 (hg19) VCF-style: chr1-45795084-G-A.
Other names: p.S501F:TCT>TTT; c.1460C>T, p.Ser487Phe (NM_001048171.2, NM_001048173.2, NM_001293195.2); c.1463C>T, p.Ser488Phe (NM_001048172.2); c.1544C>T, p.Ser515Phe (NM_001128425.2); c.1505C>T, p.Ser502Phe (NM_001293190.2); c.1493C>T, p.Ser498Phe (NM_001293191.2); c.1184C>T, p.Ser395Phe (NM_001293192.2, NM_001293196.2); c.1115C>T, p.Ser372Phe (NM_001350650.2, NM_001350651.2); and 1 more; short protein forms S515F, S501F, S512F, S372F, S488F, S502F, S395F, S498F.
Identifiers: ClinVar variation 41755 (VCV000041755.93), dbSNP rs140118273, ClinGen allele CA011660.

ClinVar aggregate classification (germline): Benign/Likely benign. Review status: criteria provided, multiple submitters, no conflicts (2 of 4 stars). 29 submissions from 29 submitters: Benign (14); Likely benign (4). 11 of the submissions do not count toward it. Last evaluated 2026-09-01.

Conditions:
Hereditary cancer-predisposing syndrome. Also called: Neoplastic Syndromes, Hereditary; Hereditary neoplastic syndrome; Hereditary Cancer Syndrome; Tumor predisposition. Identifiers: Orphanet 140162, MedGen C0027672, MeSH D009386, MONDO:0015356.
Familial multiple polyposis syndrome (FAP). Also called: Classic familial adenomatous polyposis; Familial Adenomatous Polyposis (FAP); Familial adenomatous polyposis; Familial intestinal polyposis; Familial polyposis. Identifiers: Orphanet 733, MedGen C0032580, MONDO:0021055. Disease mechanism: loss of function.
Familial adenomatous polyposis 2. Also called: FAP type 2; MUTYH-related attenuated familial adenomatous polyposis; Adenomas, multiple colorectal; MUTYH-associated polyposis; MUTYH Polyposis; MYH-associated polyposis. Identifiers: Orphanet 220460, Orphanet 247798, MedGen C3272841, MONDO:0012041, OMIM 608456.

Allele frequency attached by ClinVar (database versions not stated): 1000 Genomes Project 0.00459; gnomAD exomes 0.00841 and 0.01118; TOPMed 0.01076; 1000 Genomes Project 30x 0.00515; ExAC 0.00788; gnomAD 0.00973 and 0.00997; ESP Exome Variant Server 0.01107.

Submissions 1 to 25 of 29:

CeGaT Center for Human Genetics Tuebingen
Classification: Benign. Last evaluated: 2026-09-01. Review status: criteria provided, single submitter. Criteria: CeGaT Center For Human Genetics Tuebingen Variant Classification Criteria Version 2. Collection method: clinical testing. Allele origin: germline. Affected: yes. Observed: 205 variant alleles.
Comment: MUTYH: BP4, BS1, BS2

Labcorp Genetics (formerly Invitae), Labcorp
Classification: Benign for Familial adenomatous polyposis 2. Last evaluated: 2026-02-04. Review status: criteria provided, single submitter. Criteria: Invitae Variant Classification Sherloc (09022015). Collection method: clinical testing. Allele origin: germline.

ARUP Laboratories, Molecular Genetics and Genomics, ARUP Laboratories
Classification: Benign. Last evaluated: 2025-07-03. Review status: criteria provided, single submitter. Criteria: ARUP Molecular Germline Variant Investigation Process 2024. Collection method: clinical testing. Allele origin: germline.

Center for Genomic Medicine, Rigshospitalet, Copenhagen University Hospital
Classification: Benign. Last evaluated: 2025-03-04. Review status: criteria provided, single submitter. Criteria: ACMG Guidelines, 2015. Collection method: clinical testing. Allele origin: germline.

Blueprint Genetics
Classification: Likely benign. Last evaluated: 2024-11-26. Review status: criteria provided, single submitter. Criteria: ACMG Guidelines, 2015. Collection method: clinical testing. Allele origin: germline.

All of Us Research Program, National Institutes of Health
Classification: Benign for Familial adenomatous polyposis 2. Last evaluated: 2024-09-27. Review status: criteria provided, single submitter. Criteria: ACMG Guidelines, 2015. Collection method: clinical testing. Allele origin: germline. Inheritance: Autosomal recessive inheritance. Observed: 3,223 variant alleles, 3,195 heterozygotes, 27 homozygotes, 1 hemizygote.
Comment: This study involves interpretation of variants in research participants for the purpose of population health screening. Participant phenotype was not available at the time of variant classification. Additional details can be found in publication PMID: 35346344, PMCID: PMC8962531

Institute for Biomarker Research, Medical Diagnostic Laboratories, L.L.C.
Classification: Benign for Hereditary cancer-predisposing syndrome. Last evaluated: 2022-11-15. Review status: criteria provided, single submitter. Criteria: ACMG Guidelines, 2015. Collection method: clinical testing. Allele origin: germline.

Quest Diagnostics Nichols Institute San Juan Capistrano
Classification: Benign. Last evaluated: 2020-09-10. Review status: criteria provided, single submitter. Criteria: Quest Diagnostics criteria. Collection method: clinical testing. Allele origin: unknown.

Sema4
Classification: Benign for Hereditary cancer-predisposing syndrome. Last evaluated: 2020-02-24. Review status: criteria provided, single submitter. Criteria: Sema4 Curation Guidelines. Collection method: curation. Allele origin: germline.

Illumina Laboratory Services, Illumina
Classification: Likely benign for Familial adenomatous polyposis 2. Last evaluated: 2018-01-12. Review status: criteria provided, single submitter. Criteria: ICSL Variant Classification Criteria 13 December 2019. Collection method: clinical testing. Allele origin: germline.
Comment: This variant was observed in the ICSL laboratory as part of a predisposition screen in an ostensibly healthy population. It had not been previously curated by ICSL or reported in the Human Gene Mutation Database (HGMD: prior to June 1st, 2018), and was therefore a candidate for classification through an automated scoring system. Utilizing variant allele frequency, disease prevalence and penetrance estimates, and inheritance mode, an automated score was calculated to assess if this variant is too frequent to cause the disease. Based on the score and internal cut-off values, a variant classified as likely benign is not then subjected to further curation. The score for this variant resulted in a classification of likely benign for this disease.

Vantari Genetics
Classification: Benign for Hereditary cancer-predisposing syndrome. Last evaluated: 2015-12-02. Review status: criteria provided, single submitter. Criteria: ACMG Guidelines, 2015. Collection method: clinical testing. Allele origin: germline.

Genomic Diagnostic Laboratory, Division of Genomic Diagnostics, Children's Hospital of Philadelphia
Classification: Likely benign for MYH-associated polyposis. Last evaluated: 2015-04-14. Review status: criteria provided, single submitter. Criteria: DGD Variant Analysis Guidelines. Collection method: clinical testing. Allele origin: unknown.

Color Diagnostics, LLC DBA Color Health
Classification: Benign for Hereditary cancer-predisposing syndrome. Last evaluated: 2015-03-27. Review status: criteria provided, single submitter. Criteria: ACMG Guidelines, 2015. Collection method: clinical testing. Allele origin: germline.

Eurofins Ntd Llc (ga)
Classification: Benign. Last evaluated: 2014-07-16. Review status: criteria provided, single submitter. Criteria: EGL Classification Definitions 2015. Collection method: clinical testing. Allele origin: germline. Observed: 2 variant alleles, 2 heterozygotes.

Ambry Genetics
Classification: Benign for Hereditary cancer-predisposing syndrome. Last evaluated: 2014-06-20. Review status: criteria provided, single submitter. Criteria: Ambry Variant Classification Scheme 2023. Collection method: clinical testing. Allele origin: germline.

GeneDx
Classification: Benign. Last evaluated: 2013-10-18. Review status: criteria provided, single submitter. Criteria: GeneDx Variant Classification (06012015). Collection method: clinical testing. Allele origin: germline. Affected: yes.
Comment: This variant is considered likely benign or benign based on one or more of the following criteria: it is a conservative change, it occurs at a poorly conserved position in the protein, it is predicted to be benign by multiple in silico algorithms, and/or has population frequency not consistent with disease.

Breakthrough Genomics
Classification: Likely benign. Review status: criteria provided, single submitter. Criteria: ACMG Guidelines, 2015. Collection method: not provided. Allele origin: germline. Inheritance: Autosomal recessive inheritance. Affected: yes.

PreventionGenetics, part of Exact Sciences
Classification: Benign. Review status: criteria provided, single submitter. Criteria: ACMG Guidelines, 2015. Collection method: clinical testing. Allele origin: germline.

True Health Diagnostics
Classification: Benign for Hereditary cancer-predisposing syndrome. Last evaluated: 2018-02-20. Review status: no assertion criteria provided. Collection method: clinical testing. Allele origin: germline. Not counted in ClinVar's aggregate classification.

ITMI
No classification provided. Condition: AllHighlyPenetrant. Last evaluated: 2013-09-19. Review status: no classification provided. Collection method: reference population. Allele origin: germline. Not counted in ClinVar's aggregate classification.
Comment: Please see associated publication for description of ethnicities

Biesecker Lab/Clinical Genomics Section, National Institutes of Health
Classification: Benign. Last evaluated: 2012-07-13. Review status: no assertion criteria provided. Collection method: research. Allele origin: germline. Affected: no. Observed: 8 variant alleles. Study: ClinSeq. Not counted in ClinVar's aggregate classification.
ClinVar note: Converted during submission from no known pathogenicity to Benign.

Clinical Genetics DNA and cytogenetics Diagnostics Lab, Erasmus MC, Erasmus Medical Center
Classification: Benign. Review status: no assertion criteria provided. Collection method: clinical testing. Allele origin: germline. Affected: yes. Study: VKGL Data-share Consensus. Not counted in ClinVar's aggregate classification.

Clinical Genetics, Academic Medical Center
Classification: Benign. Review status: no assertion criteria provided. Collection method: clinical testing. Allele origin: germline. Affected: yes. Study: VKGL Data-share Consensus. Not counted in ClinVar's aggregate classification.

Department of Pathology and Laboratory Medicine, Sinai Health System
Classification: Benign for Familial multiple polyposis syndrome. Review status: no assertion criteria provided. Collection method: clinical testing. Allele origin: unknown. Affected: yes. Observed: 1 variant allele. Study: The Canadian Open Genetics Repository (COGR). Not counted in ClinVar's aggregate classification.
Comment: This variant is not expected to have clinical significance because it does not occur at a conserved amino acid residue, is not located near a splice junction, is listed in dbSNP (rs140118273), and is reported as benign in multiple publications.

Diagnostic Laboratory, Department of Genetics, University Medical Center Groningen
Classification: Benign. Review status: no assertion criteria provided. Collection method: clinical testing. Allele origin: germline. Affected: yes. Study: VKGL Data-share Consensus. Not counted in ClinVar's aggregate classification.